The following is an entry in ClinVar:

NM_004385.5(VCAN):c.1930C>T (p.Pro644Ser)

Gene: VCAN (versican; plus strand). Cytogenetic location: 5q14.3.
Variant type: single nucleotide variant.
Coding change: c.1930C>T on transcript NM_004385.5 (MANE Select); coding-DNA position 1930, C replaced by T.
Protein change: p.Pro644Ser; replaces proline 644 with serine.
Molecular consequence: missense variant. On other transcripts: intron variant (2).
Genome position (GRCh38, 1-based): chr5:83,520,236, C>T. VCF-style: chr5-83520236-C-T. GRCh37 (hg19) VCF-style: chr5-82816055-C-T.
Other names: c.1930C>T, p.Pro644Ser (NM_001164098.2); c.1042+7840C>T (NM_001164097.2, NM_001126336.3); short protein forms P644S.
Identifiers: ClinVar variation 970455 (VCV000970455.12), dbSNP rs750126325, ClinGen allele CA3332753.

ClinVar aggregate classification (germline): Uncertain significance. Review status: criteria provided, multiple submitters, no conflicts (2 of 4 stars). 3 submissions from 3 submitters: Uncertain significance (3). Last evaluated 2025-08-15.

Conditions:
Wagner disease. Also called: WAGNER VITREORETINAL DEGENERATION; WAGNER VITREORETINOPATHY; Wagner Vitreoretinal Degeneration (Wagner Synrdome); WAGNER SYNDROME 1; HYALOIDEORETINAL DEGENERATION OF WAGNER; Wagner syndrome. Identifiers: Orphanet 898, MedGen C1840452, MONDO:0007740, OMIM 143200.

Allele frequency attached by ClinVar (database versions not stated): gnomAD exomes below 0.00001 and 0.00001; ExAC 0.00001.
gnomAD v4.1: 13 of 1,614,006 alleles (0.00081%); highest among the groups gnomAD compares: Non-Finnish European, 0.0011%; no homozygotes.

Submissions (3):

Labcorp Genetics (formerly Invitae), Labcorp
Classification: Uncertain significance. Last evaluated: 2025-08-15. Review status: criteria provided, single submitter. Criteria: Invitae Variant Classification Sherloc (09022015). Collection method: clinical testing. Allele origin: germline.
Comment: This sequence change replaces proline, which is neutral and non-polar, with serine, which is neutral and polar, at codon 644 of the VCAN protein (p.Pro644Ser). This variant is present in population databases (rs750126325, gnomAD 0.0009%). This variant has not been reported in the literature in individuals affected with VCAN-related conditions. ClinVar contains an entry for this variant (Variation ID: 970455). An algorithm developed to predict the effect of missense changes on protein structure and function outputs the following: PolyPhen-2: "Benign". The serine amino acid residue is found in multiple mammalian species, which suggests that this missense change does not adversely affect protein function. In summary, the available evidence is currently insufficient to determine the role of this variant in disease. Therefore, it has been classified as a Variant of Uncertain Significance.

GeneDx
Classification: Uncertain significance. Last evaluated: 2025-07-28. Review status: criteria provided, single submitter. Criteria: GeneDx Variant Classification Process June 2021. Collection method: clinical testing. Allele origin: germline. Affected: yes.
Comment: Not observed at significant frequency in large population cohorts (gnomAD); In silico analysis suggests that this missense variant does not alter protein structure/function; Has not been previously published as pathogenic or benign to our knowledge

Fulgent Genetics
Classification: Uncertain significance for Wagner disease. Last evaluated: 2024-03-13. Review status: criteria provided, single submitter. Criteria: ACMG Guidelines, 2015. Collection method: clinical testing. Allele origin: germline.